The following continues an entry in ClinVar:

NM_000180.4(GUCY2D):c.2513G>A (p.Arg838His)

Gene: GUCY2D. ClinVar aggregate classification (germline): Pathogenic/Likely pathogenic. Pathogenic (16); Likely pathogenic (1).

Submissions 14 to 25 of 25:

MNM Diagnostics
Classification: Pathogenic for Visual impairment; Macular dystrophy. Last evaluated: 2019-07-31. Review status: criteria provided, single submitter. Criteria: ACMG Guidelines, 2015. Collection method: clinical testing. Allele origin: de novo, maternal. Affected: yes. Observed: 2 heterozygotes.
Comment: According to ACMG Guidelines, the variant meets the following evidence of pathogenicity: PS1, PS2, PS3, PP1, PM2, PP5.

CeGaT Center for Human Genetics Tuebingen
Classification: Pathogenic. Last evaluated: 2018-04-01. Review status: criteria provided, single submitter. Criteria: CeGaT Center For Human Genetics Tuebingen Variant Classification Criteria Version 2. Collection method: clinical testing. Allele origin: germline. Affected: yes. Observed: 1 variant allele.

Institute of Human Genetics Munich, TUM University Hospital
Classification: Pathogenic for Cone-rod dystrophy 6. Last evaluated: 2017-12-07. Review status: criteria provided, single submitter. Criteria: Classification criteria August 2017. Collection method: clinical testing. Allele origin: germline. Inheritance: Autosomal dominant inheritance. Affected: yes. Observed: 1 heterozygote.

Genomics England Pilot Project, Genomics England
Classification: Pathogenic for Cone-rod dystrophy 6. Review status: criteria provided, single submitter. Criteria: ACGS Guidelines, 2016. Collection method: clinical testing. Allele origin: germline. Affected: yes.

Sharon lab, Hadassah-Hebrew University Medical Center
Classification: Pathogenic for cone dystrophy. Last evaluated: 2019-06-23. Review status: no assertion criteria provided. Collection method: research. Allele origin: inherited. Affected: yes. Not counted in ClinVar's aggregate classification.

Department of Clinical Genetics, Copenhagen University Hospital, Rigshospitalet
Classification: Uncertain significance for Progressive cone dystrophy (without rod involvement). Last evaluated: 2018-04-01. Review status: no assertion criteria provided. Collection method: research. Allele origin: unknown. Affected: yes. Study: VeluxRD. Not counted in ClinVar's aggregate classification.

Joint Genome Diagnostic Labs from Nijmegen and Maastricht, Radboudumc and MUMC+
Classification: Pathogenic for Cone-rod dystrophy 6. Last evaluated: 2016-09-01. Review status: no assertion criteria provided. Collection method: clinical testing. Allele origin: unknown, inherited. Affected: yes. Observed: 3 variant alleles. Not counted in ClinVar's aggregate classification.

NIHR Bioresource Rare Diseases, University of Cambridge
Classification: Likely pathogenic for Retinal dystrophy. Last evaluated: 2015-01-01. Review status: no assertion criteria provided. Collection method: research. Allele origin: unknown. Affected: yes. Observed: 1 variant allele. Not counted in ClinVar's aggregate classification.

OMIM
Classification: Pathogenic for CONE-ROD DYSTROPHY 6. Last evaluated: 2003-02-01. Review status: no assertion criteria provided. Collection method: literature only. Allele origin: germline. Not counted in ClinVar's aggregate classification.

Clinical Genetics DNA and cytogenetics Diagnostics Lab, Erasmus MC, Erasmus Medical Center
Classification: Pathogenic. Review status: no assertion criteria provided. Collection method: clinical testing. Allele origin: germline. Affected: yes. Study: VKGL Data-share Consensus. Not counted in ClinVar's aggregate classification.

Joint Genome Diagnostic Labs from Nijmegen and Maastricht, Radboudumc and MUMC+
Classification: Pathogenic. Review status: no assertion criteria provided. Collection method: clinical testing. Allele origin: germline. Affected: yes. Study: VKGL Data-share Consensus. Not counted in ClinVar's aggregate classification.

Retina International
No classification provided. Review status: no classification provided. Collection method: not provided. Allele origin: not provided. Not counted in ClinVar's aggregate classification.

Literature cited by the submitters: PubMed 11115851 (cited by 4 submitters); PubMed 12552567 (cited by 5 submitters); PubMed 26298565 (cited by 4 submitters); PubMed 24875811 (cited by 3 submitters); PubMed 36909829 (cited by Ophthalmic Genetics Group, Institute of Molecular and Clinical Ophthalmology Basel); PubMed 11565546 (cited by 3 submitters); PubMed 15175914 (cited by Institute of Human Genetics, Univ. Regensburg, Univ. Regensburg); PubMed 22194653 (cited by Institute of Human Genetics, Univ. Regensburg, Univ. Regensburg); PubMed 22183351 (cited by Institute of Human Genetics, Univ. Regensburg, Univ. Regensburg); PubMed 22968130 (cited by Institute of Human Genetics, Univ. Regensburg, Univ. Regensburg); PubMed 24480840 (cited by Institute of Human Genetics, Univ. Regensburg, Univ. Regensburg); PubMed 25283059 (cited by Institute of Human Genetics, Univ. Regensburg, Univ. Regensburg); PubMed 28181551 (cited by Institute of Human Genetics, Univ. Regensburg, Univ. Regensburg); PubMed 29555955 (cited by Institute of Human Genetics, Univ. Regensburg, Univ. Regensburg); PubMed 32821499 (cited by Institute of Human Genetics, Univ. Regensburg, Univ. Regensburg); PubMed 32036094 (cited by Institute of Human Genetics, Univ. Regensburg, Univ. Regensburg); PubMed 31456290 (cited by Institute of Human Genetics, Univ. Regensburg, Univ. Regensburg); PubMed 32811265 (cited by Institute of Human Genetics, Univ. Regensburg, Univ. Regensburg); PubMed 32581362 (cited by Institute of Human Genetics, Univ. Regensburg, Univ. Regensburg); PubMed 32531858 (cited by Institute of Human Genetics, Univ. Regensburg, Univ. Regensburg); PubMed 33691693 (cited by Institute of Human Genetics, Univ. Regensburg, Univ. Regensburg); PubMed 33749171 (cited by Institute of Human Genetics, Univ. Regensburg, Univ. Regensburg); PubMed 34758253 (cited by Institute of Human Genetics, Univ. Regensburg, Univ. Regensburg); PubMed 34048777 (cited by Institute of Human Genetics, Univ. Regensburg, Univ. Regensburg); PubMed 35119454 (cited by Institute of Human Genetics, Univ. Regensburg, Univ. Regensburg); PubMed 36460718 (cited by Institute of Human Genetics, Univ. Regensburg, Univ. Regensburg); PubMed 36819107 (cited by Institute of Human Genetics, Univ. Regensburg, Univ. Regensburg); PubMed 34906470 (cited by Broad Center for Mendelian Genomics, Broad Institute of MIT and Harvard); PubMed 10676808 (cited by Broad Center for Mendelian Genomics, Broad Institute of MIT and Harvard and OMIM); PubMed 28041643 (cited by Broad Center for Mendelian Genomics, Broad Institute of MIT and Harvard and NIHR Bioresource Rare Diseases, University of Cambridge); PubMed 30718709 (cited by Broad Center for Mendelian Genomics, Broad Institute of MIT and Harvard and Department of Clinical Genetics, Copenhagen University Hospital, Rigshospitalet).